The following is an entry in ClinVar:

NM_000059.4(BRCA2):c.5732A>T (p.Asp1911Val)

Gene: BRCA2 (BRCA2 DNA repair associated; plus strand). Cytogenetic location: 13q13.1.
Variant type: single nucleotide variant.
Coding change: c.5732A>T on transcript NM_000059.4 (MANE Select); coding-DNA position 5732, A replaced by T.
Protein change: p.Asp1911Val; replaces aspartic acid 1911 with valine.
Molecular consequence: missense variant.
Genome position (GRCh38, 1-based): chr13:32,340,087, A>T. VCF-style: chr13-32340087-A-T. GRCh37 (hg19) VCF-style: chr13-32914224-A-T.
Other names: short protein forms D1911V.
Identifiers: ClinVar variation 41555 (VCV000041555.4), dbSNP rs200943373, ClinGen allele CA023093.

ClinVar aggregate classification (germline): Likely benign. Review status: criteria provided, single submitter (1 of 4 stars). 2 submissions from 2 submitters: Likely benign (1). 1 of the submissions does not count toward it. Last evaluated 2023-03-23.

Conditions:
Hereditary cancer-predisposing syndrome. Also called: Hereditary neoplastic syndrome; Neoplastic Syndromes, Hereditary; Hereditary Cancer Syndrome; Tumor predisposition. Identifiers: Orphanet 140162, MedGen C0027672, MeSH D009386, MONDO:0015356.

Submissions (2):

University of Washington Department of Laboratory Medicine, University of Washington
Classification: Likely benign for Hereditary cancer-predisposing syndrome. Last evaluated: 2023-03-23. Review status: criteria provided, single submitter. Criteria: Dines et al. (Genet Med. 2020). Collection method: curation. Allele origin: germline.
Comment: Missense variant in a coldspot region where missense variants are very unlikely to be pathogenic (PMID:31911673).

BRCA2 exon 11 coldspot. Reclassification based on statistical prior probability.

Biesecker Lab/Clinical Genomics Section, National Institutes of Health
Classification: Uncertain significance. Last evaluated: 2012-07-13. Review status: no assertion criteria provided. Collection method: research. Allele origin: germline. Affected: no. Observed: 1 variant allele. Study: ClinSeq. Not counted in ClinVar's aggregate classification.
ClinVar note: Converted during submission from variant of unknown significance to Uncertain significance.